The following is an entry in ClinVar:

NM_024939.3(ESRP2):c.129G>A (p.Arg43=)

Gene: ESRP2 (epithelial splicing regulatory protein 2; minus strand). Cytogenetic location: 16q22.1.
Variant type: single nucleotide variant.
Coding change: c.129G>A on transcript NM_024939.3 (MANE Select); coding-DNA position 129, G replaced by A.
Protein change: p.Arg43=; no amino-acid change (arginine 43 retained).
Molecular consequence: synonymous variant.
Genome position (GRCh38, 1-based): chr16:68,235,917, C>T on the plus strand (G>A on the coding strand, the complement: ESRP2 is on the minus strand). VCF-style: chr16-68235917-C-T. GRCh37 (hg19) VCF-style: chr16-68269820-C-T.
Other names: c.129G>A, p.Arg43= (NM_001365264.1, NM_001365265.1).
Identifiers: ClinVar variation 3033371 (VCV003033371.2), dbSNP rs150603076, ClinGen allele CA8125707.

ClinVar aggregate classification (germline): Benign (0 of 4 stars; one submission).

Conditions:
ESRP2-related disorder. Also called: ESRP2-related condition.

Allele frequency attached by ClinVar (database versions not stated): 1000 Genomes Project 30x 0.00265; 1000 Genomes Project 0.00300; ESP Exome Variant Server 0.00317; TOPMed 0.00379; gnomAD 0.00499; gnomAD exomes 0.00590; ExAC 0.00656.
gnomAD v4.1: 9,300 of 1,607,668 alleles (0.58%); highest among the groups gnomAD compares: Non-Finnish European, 0.61%; 55 homozygotes.

Submission:

PreventionGenetics, part of Exact Sciences
Classification: Benign for ESRP2-related condition. Last evaluated: 2019-02-22. Review status: no assertion criteria provided. Collection method: clinical testing. Allele origin: germline.
Comment: This variant is classified as benign based on ACMG/AMP sequence variant interpretation guidelines (Richards et al. 2015 PMID: 25741868, with internal and published modifications).